The following is an entry in ClinVar:

NM_018426.3(TMEM63B):c.988-1G>A

Gene: TMEM63B (transmembrane protein 63B; plus strand). Cytogenetic location: 6p21.1.
Variant type: single nucleotide variant.
Coding change: c.988-1G>A on transcript NM_018426.3 (MANE Select); the canonical splice acceptor site of the intron before coding-DNA position 988, G replaced by A.
Molecular consequence: splice acceptor variant.
Genome position (GRCh38, 1-based): chr6:44,148,251, G>A. VCF-style: chr6-44148251-G-A. GRCh37 (hg19) VCF-style: chr6-44115988-G-A.
Other names: c.988-1G>A (NM_001318792.1).
Identifiers: ClinVar variation 4891219 (VCV004891219.1).

ClinVar aggregate classification (germline): Uncertain significance (1 of 4 stars; one submission).

Submission:

Greenwood Genetic Center Diagnostic Laboratories, Greenwood Genetic Center
Classification: Uncertain significance. Last evaluated: 2026-04-13. Review status: criteria provided, single submitter. Criteria: ACMG Guidelines, 2015. Collection method: clinical testing. Allele origin: germline.
Comment: PM2, PP3